The following is an entry in ClinVar:

ClinVar aggregate classification (germline): Uncertain significance. Review status: criteria provided, single submitter (1 of 4 stars). 2 submissions from 2 submitters: Uncertain significance (1). 1 of the submissions does not count toward it. Last evaluated 2022-05-22.

Conditions:
TWIST1-related craniosynostosis (CRS1). Also called: CRANIOSYNOSTOSIS 1. Identifiers: Orphanet 63440, MedGen C4551902, MONDO:0007399, OMIM 123100. Inheritance: Heterogenous inheritance pattern.

Submissions (2):

3billion
Classification: Uncertain significance for TWIST1-related craniosynostosis. Last evaluated: 2022-05-22. Review status: criteria provided, single submitter. Criteria: ACMG Guidelines, 2015. Collection method: clinical testing. Allele origin: germline. Affected: yes. Observed: 1 heterozygote.
Comment: The variant is not observed in the gnomAD v2.1.1 dataset. In silico tool predictions suggest damaging effect of the variant on gene or gene product (REVEL: 0.91; 3Cnet: 0.17). Same nucleotide change resulting in same amino acid change has been previously reported to be associated with TWIST1 related disorder (ClinVar ID: VCV000007986 / PMID: 17343269). However, the evidence of pathogenicity is insufficient at this time. Therefore, this variant is classified as uncertain significanceaccording to the recommendation of ACMG/AMP guideline.

OMIM
Classification: Pathogenic for CRANIOSYNOSTOSIS 1. Last evaluated: 2007-04-01. Review status: no assertion criteria provided. Collection method: literature only. Allele origin: germline. Not counted in ClinVar's aggregate classification.

Literature cited by the submitters: PubMed 17343269 (cited by 3billion and OMIM).

NM_000474.4(TWIST1):c.563C>T (p.Ser188Leu)

Genes: TWIST1 (twist family bHLH transcription factor 1; minus strand), LOC129998021 (ATAC-STARR-seq lymphoblastoid active region 25682; plus strand). Cytogenetic location: 7p21.1.
Variant type: single nucleotide variant.
Coding change: c.563C>T on transcript NM_000474.4 (MANE Select); coding-DNA position 563, C replaced by T.
Protein change: p.Ser188Leu; replaces serine 188 with leucine.
Molecular consequence: missense variant. On other transcripts: non-coding transcript variant (1).
Genome position (GRCh38, 1-based): chr7:19,116,759, G>A on the plus strand (C>T on the coding strand, the complement: TWIST1 is on the minus strand). VCF-style: chr7-19116759-G-A. GRCh37 (hg19) VCF-style: chr7-19156382-G-A.
Other names: short protein forms S188L.
Identifiers: ClinVar variation 7986 (VCV000007986.2), dbSNP rs121909191, ClinGen allele CA340715.